The following is an entry in ClinVar:

NM_030948.6(PHACTR1):c.521A>C (p.Glu174Ala)

Gene: PHACTR1 (phosphatase and actin regulator 1; plus strand). Cytogenetic location: 6p24.1.
Variant type: single nucleotide variant.
Coding change: c.521A>C on transcript NM_030948.6 (MANE Select); coding-DNA position 521, A replaced by C.
Protein change: p.Glu174Ala; replaces glutamic acid 174 with alanine.
Molecular consequence: missense variant.
Genome position (GRCh38, 1-based): chr6:13,182,543, A>C. VCF-style: chr6-13182543-A-C. GRCh37 (hg19) VCF-style: chr6-13182775-A-C.
Other names: c.521A>C, p.Glu174Ala (NM_001242648.4, NM_001322308.3, NM_001322309.3 and 3 more transcripts); c.245A>C, p.Glu82Ala (NM_001322311.2, NM_001322312.3, NM_001322313.2 and 1 more transcripts); c.524A>C, p.Glu175Ala (NM_001322314.4); short protein forms E174A, E175A, E82A.
Identifiers: ClinVar variation 2631212 (VCV002631212.1), dbSNP rs991796097, ClinGen allele CA135025240.

ClinVar aggregate classification (germline): Uncertain significance (1 of 4 stars; one submission).

Conditions:
PHACTR1-related disorder. Also called: PHACTR1-related condition.

Allele frequency attached by ClinVar (database versions not stated): TOPMed 0.00001.
gnomAD v4.1: 1 of 1,613,936 alleles (0.000062%); no homozygotes.

Submission:

PreventionGenetics, part of Exact Sciences
Classification: Uncertain significance for PHACTR1-related condition. Last evaluated: 2023-08-11. Review status: criteria provided, single submitter. Criteria: ACMG Guidelines, 2015. Collection method: clinical testing. Allele origin: germline.
Comment: The PHACTR1 c.524A>C variant is predicted to result in the amino acid substitution p.Glu175Ala. To our knowledge, this variant has not been reported in the literature or in a large population database, indicating this variant is rare. At this time, the clinical significance of this variant is uncertain due to the absence of conclusive functional and genetic evidence.